The following is an entry in ClinVar:

NM_001267550.2(TTN):c.34643C>G (p.Ser11548Ter)

Gene: TTN (titin; minus strand). Cytogenetic location: 2q31.2.
Variant type: single nucleotide variant.
Coding change: c.34643C>G on transcript NM_001267550.2 (MANE Select); coding-DNA position 34643, C replaced by G.
Protein change: p.Ser11548Ter; replaces serine 11548 with a stop codon.
Molecular consequence: nonsense. On other transcripts: intron variant (3).
Genome position (GRCh38, 1-based): chr2:178,674,379, G>C on the plus strand (C>G on the coding strand, the complement: TTN is on the minus strand). VCF-style: chr2-178674379-G-C. GRCh37 (hg19) VCF-style: chr2-179539106-G-C.
Other names: c.33521C>G, p.Ser11174Ter (NM_001256850.1); c.30740C>G, p.Ser10247Ter (NM_133378.4); c.13283-32062C>G (NM_003319.4); c.13859-32062C>G (NM_133437.4); c.13658-32062C>G (NM_133432.3); short protein forms S10247*, S11174*, S11548*.
Identifiers: ClinVar variation 3754775 (VCV003754775.2).

ClinVar aggregate classification (germline): Likely pathogenic (1 of 4 stars; one submission).

Conditions:
Autosomal recessive limb-girdle muscular dystrophy type 2J (LGMDR10). Also called: Limb-girdle muscular dystrophy, type 2J; MUSCULAR DYSTROPHY, LIMB-GIRDLE, AUTOSOMAL RECESSIVE 10. Identifiers: Orphanet 140922, MedGen C1837342, MONDO:0012127, OMIM 608807.
Dilated cardiomyopathy 1G (CMD1G). Identifiers: Orphanet 154, MedGen C1858763, MONDO:0011400, OMIM 604145.

Submission:

Labcorp Genetics (formerly Invitae), Labcorp
Classification: Likely pathogenic for Dilated cardiomyopathy 1G; Autosomal recessive limb-girdle muscular dystrophy type 2J. Last evaluated: 2024-02-17. Review status: criteria provided, single submitter. Criteria: Invitae Variant Classification Sherloc (09022015). Collection method: clinical testing. Allele origin: germline.
Comment: This sequence change creates a premature translational stop signal (p.Ser11548*) in the TTN gene. While this is not anticipated to result in nonsense mediated decay, it is expected to create a truncated TTN protein. This variant is not present in population databases (gnomAD no frequency). This variant has not been reported in the literature in individuals affected with TTN-related conditions. This variant is located in the I band of TTN (PMID: 25589632). Truncating variants in this region have been reported in individuals affected with autosomal recessive centronuclear myopathy (PMID: 23975875, Invitae internal data). Truncating variants in this region have also been identified in individuals affected with autosomal dominant dilated cardiomyopathy and/or cardio-related conditions (PMID: 27869827, 32964742, Invitae internal data). In summary, the currently available evidence indicates that the variant is pathogenic, but additional data are needed to prove that conclusively. Therefore, this variant has been classified as Likely Pathogenic.

Literature cited by the submitters: PubMed 25589632; PubMed 23975875; PubMed 27869827; PubMed 32964742.